The following is an entry in ClinVar:

NM_005045.4(RELN):c.3146+23T>C

Gene: RELN (reelin; minus strand). Cytogenetic location: 7q22.1.
Variant type: single nucleotide variant.
Coding change: c.3146+23T>C on transcript NM_005045.4 (MANE Select); 23 bases into the intron after coding-DNA position 3146, T replaced by C.
Molecular consequence: intron variant.
Genome position (GRCh38, 1-based): chr7:103,604,323, A>G on the plus strand (T>C on the coding strand, the complement: RELN is on the minus strand). VCF-style: chr7-103604323-A-G. GRCh37 (hg19) VCF-style: chr7-103244770-A-G.
Other names: c.3146+23T>C (NM_173054.3).
Identifiers: ClinVar variation 1192094 (VCV001192094.15), dbSNP rs535132194, ClinGen allele CA4421841.

ClinVar aggregate classification (germline): Benign/Likely benign. Review status: criteria provided, multiple submitters, no conflicts (2 of 4 stars). 2 submissions from 2 submitters: Benign (1); Likely benign (1). Last evaluated 2026-07-01.

Allele frequency attached by ClinVar (database versions not stated): gnomAD 0.00004 and 0.00046; TOPMed 0.00008; gnomAD exomes 0.00147; ExAC 0.00149; 1000 Genomes Project 30x 0.00219; 1000 Genomes Project 0.00220.
gnomAD v4.1: 1,157 of 1,613,574 alleles (0.072%); highest among the groups gnomAD compares: South Asian, 1.2%; 13 homozygotes.

Submissions (2):

CeGaT Center for Human Genetics Tuebingen
Classification: Benign. Last evaluated: 2026-07-01. Review status: criteria provided, single submitter. Criteria: CeGaT Center For Human Genetics Tuebingen Variant Classification Criteria Version 2. Collection method: clinical testing. Allele origin: germline. Affected: yes. Observed: 2 variant alleles.
Comment: RELN: BS1, BS2

GeneDx
Classification: Likely benign. Last evaluated: 2018-11-20. Review status: criteria provided, single submitter. Criteria: GeneDx Variant Classification Process June 2021. Collection method: clinical testing. Allele origin: germline. Affected: yes.